The following is an entry in ClinVar:

ClinVar aggregate classification (germline): Likely benign (0 of 4 stars; one submission).

Conditions:
PLXNA3-related disorder. Also called: PLXNA3-related condition.

Submission:

PreventionGenetics, part of Exact Sciences
Classification: Likely benign for PLXNA3-related condition. Last evaluated: 2021-10-29. Review status: no assertion criteria provided. Collection method: clinical testing. Allele origin: germline.
Comment: This variant is classified as likely benign based on ACMG/AMP sequence variant interpretation guidelines (Richards et al. 2015 PMID: 25741868, with internal and published modifications).

NM_017514.5(PLXNA3):c.1203C>T (p.Ile401=)

Gene: PLXNA3 (plexin A3; plus strand). Cytogenetic location: Xq28.
Variant type: single nucleotide variant.
Coding change: c.1203C>T on transcript NM_017514.5 (MANE Select); coding-DNA position 1203, C replaced by T.
Protein change: p.Ile401=; no amino-acid change (isoleucine 401 retained).
Molecular consequence: synonymous variant.
Genome position (GRCh38, 1-based): chrX:154,462,196, C>T. VCF-style: chrX-154462196-C-T. GRCh37 (hg19) VCF-style: chrX-153690536-C-T.
Identifiers: ClinVar variation 3355492 (VCV003355492.1).